The following is an entry in ClinVar:

NM_005751.5(AKAP9):c.5163G>A (p.Arg1721=)

Gene: AKAP9 (A-kinase anchoring protein 9; plus strand). Cytogenetic location: 7q21.2.
Variant type: single nucleotide variant.
Coding change: c.5163G>A on transcript NM_005751.5 (MANE Select); coding-DNA position 5163, G replaced by A.
Protein change: p.Arg1721=; no amino-acid change (arginine 1721 retained).
Molecular consequence: synonymous variant.
Genome position (GRCh38, 1-based): chr7:92,045,008, G>A. VCF-style: chr7-92045008-G-A. GRCh37 (hg19) VCF-style: chr7-91674322-G-A.
Other names: c.5163G>A, p.Arg1721= (NM_147185.3).
Identifiers: ClinVar variation 1745740 (VCV001745740.4), dbSNP rs1806730582, ClinGen allele CA456452893.

ClinVar aggregate classification (germline): Conflicting classifications of pathogenicity. Review status: criteria provided, conflicting classifications (1 of 4 stars). 2 submissions from 2 submitters: Uncertain significance (1); Likely benign (1). Last evaluated 2024-11-05.

Conditions:
Cardiovascular phenotype. Identifiers: MedGen CN230736.
Long QT syndrome (LQTS). Identifiers: MedGen C0023976, MeSH D008133, MONDO:0002442. Disease mechanism: loss of function. Inheritance: Various modes of inheritance.

Allele frequency attached by ClinVar (database versions not stated): TOPMed 0.00001.
gnomAD v4.1: 1 of 1,602,748 alleles (0.000062%); no homozygotes.

Submissions (2):

Labcorp Genetics (formerly Invitae), Labcorp
Classification: Uncertain significance for Long QT syndrome. Last evaluated: 2024-11-05. Review status: criteria provided, single submitter. Criteria: Invitae Variant Classification Sherloc (09022015). Collection method: clinical testing. Allele origin: germline.
Comment: This sequence change affects codon 1721 of the AKAP9 mRNA. It is a 'silent' change, meaning that it does not change the encoded amino acid sequence of the AKAP9 protein. It affects a nucleotide within the consensus splice site. This variant is not present in population databases (gnomAD no frequency). This variant has not been reported in the literature in individuals affected with AKAP9-related conditions. ClinVar contains an entry for this variant (Variation ID: 1745740). Algorithms developed to predict the effect of sequence changes on RNA splicing suggest that this variant is not likely to affect RNA splicing. In summary, the available evidence is currently insufficient to determine the role of this variant in disease. Therefore, it has been classified as a Variant of Uncertain Significance.

Ambry Genetics
Classification: Likely benign for Cardiovascular phenotype. Last evaluated: 2021-05-14. Review status: criteria provided, single submitter. Criteria: Ambry Variant Classification Scheme 2023. Collection method: clinical testing. Allele origin: germline.